The following is an entry in ClinVar:

ClinVar aggregate classification (germline): Likely benign. Review status: criteria provided, multiple submitters, no conflicts (2 of 4 stars). 3 submissions from 3 submitters: Likely benign (2). 1 of the submissions does not count toward it. Last evaluated 2018-01-12.

Conditions:
SPATA16-related disorder. Also called: SPATA16-related condition.
Spermatogenic failure 6 (SPGF6). Also called: ROUND-HEADED SPERMATOZOA; ACROSOME MALFORMATION OF SPERMATOZOA. Identifiers: Orphanet 171709, MedGen C4225503, MONDO:0007060, OMIM 102530.

Allele frequency attached by ClinVar (database versions not stated): gnomAD exomes 0.00065 and 0.00153; ExAC 0.00186; 1000 Genomes Project 0.00459; 1000 Genomes Project 30x 0.00562; gnomAD 0.00626 and 0.00685; TOPMed 0.00722; ESP Exome Variant Server 0.00746.
gnomAD v4.1: 1,947 of 1,614,036 alleles (0.12%); highest among the groups gnomAD compares: African/African-American, 2.4%; 22 homozygotes.

Submissions (3):

Illumina Laboratory Services, Illumina
Classification: Likely benign for Spermatogenic failure 6. Last evaluated: 2018-01-12. Review status: criteria provided, single submitter. Criteria: ICSL Variant Classification Criteria 13 December 2019. Collection method: clinical testing. Allele origin: germline.
Comment: This variant was observed in the ICSL laboratory as part of a predisposition screen in an ostensibly healthy population. It had not been previously curated by ICSL or reported in the Human Gene Mutation Database (HGMD: prior to June 1st, 2018), and was therefore a candidate for classification through an automated scoring system. Utilizing variant allele frequency, disease prevalence and penetrance estimates, and inheritance mode, an automated score was calculated to assess if this variant is too frequent to cause the disease. Based on the score and internal cut-off values, a variant classified as likely benign is not then subjected to further curation. The score for this variant resulted in a classification of likely benign for this disease.

Breakthrough Genomics
Classification: Likely benign. Review status: criteria provided, single submitter. Criteria: ACMG Guidelines, 2015. Collection method: not provided. Allele origin: germline. Inheritance: Autosomal recessive inheritance. Affected: yes.

PreventionGenetics, part of Exact Sciences
Classification: Likely benign for SPATA16-related condition. Last evaluated: 2024-05-15. Review status: no assertion criteria provided. Collection method: clinical testing. Allele origin: germline. Not counted in ClinVar's aggregate classification.
Comment: This variant is classified as likely benign based on ACMG/AMP sequence variant interpretation guidelines (Richards et al. 2015 PMID: 25741868, with internal and published modifications).

NM_031955.6(SPATA16):c.1143A>G (p.Gln381=)

Gene: SPATA16 (spermatogenesis associated 16; minus strand). Cytogenetic location: 3q26.31.
Variant type: single nucleotide variant.
Coding change: c.1143A>G on transcript NM_031955.6 (MANE Select); coding-DNA position 1143, A replaced by G.
Protein change: p.Gln381=; no amino-acid change (glutamine 381 retained).
Molecular consequence: synonymous variant.
Genome position (GRCh38, 1-based): chr3:172,925,431, T>C on the plus strand (A>G on the coding strand, the complement: SPATA16 is on the minus strand). VCF-style: chr3-172925431-T-C. GRCh37 (hg19) VCF-style: chr3-172643221-T-C.
Identifiers: ClinVar variation 344209 (VCV000344209.7), dbSNP rs73041295, ClinGen allele CA2708143.